The following is an entry in ClinVar:

NM_173660.5(DOK7):c.805G>C (p.Glu269Gln)

Gene: DOK7 (docking protein 7; plus strand). Cytogenetic location: 4p16.3.
Variant type: single nucleotide variant.
Coding change: c.805G>C on transcript NM_173660.5 (MANE Select); coding-DNA position 805, G replaced by C.
Protein change: p.Glu269Gln; replaces glutamic acid 269 with glutamine.
Molecular consequence: missense variant. On other transcripts: 3 prime UTR variant (1), 5 prime UTR variant (1).
Genome position (GRCh38, 1-based): chr4:3,492,791, G>C. VCF-style: chr4-3492791-G-C. GRCh37 (hg19) VCF-style: chr4-3494518-G-C.
Other names: c.*26G>C (NM_001164673.2); c.-126G>C (NM_001256896.2); c.805G>C, p.Glu269Gln (NM_001301071.2); c.373G>C, p.Glu125Gln (NM_001363811.2); short protein forms E125Q, E269Q.
Identifiers: ClinVar variation 1980357 (VCV001980357.1), dbSNP rs1332985944, ClinGen allele CA356115953.

ClinVar aggregate classification (germline): Uncertain significance (1 of 4 stars; one submission).

Conditions:
Congenital myasthenic syndrome 10. Also called: Myasthenia, limb-girdle, familial. Identifiers: Orphanet 590, MedGen C1850792, MONDO:0009690, OMIM 254300.
Fetal akinesia deformation sequence 1 (FADS1). Also called: Pena-Shokeir syndrome type I; Fetal akinesia sequence. Identifiers: Orphanet 994, MedGen C1276035, MONDO:0100101, OMIM 208150, HP:0001989.

gnomAD v4.1: 17 of 1,612,810 alleles (0.0011%); highest among the groups gnomAD compares: Non-Finnish European, 0.0014%; no homozygotes.

Submission:

Labcorp Genetics (formerly Invitae), Labcorp
Classification: Uncertain significance for Congenital myasthenic syndrome 10; Fetal akinesia deformation sequence 1. Last evaluated: 2022-02-18. Review status: criteria provided, single submitter. Criteria: Invitae Variant Classification Sherloc (09022015). Collection method: clinical testing. Allele origin: germline.
Comment: This sequence change replaces glutamic acid, which is acidic and polar, with glutamine, which is neutral and polar, at codon 269 of the DOK7 protein (p.Glu269Gln). This variant is present in population databases (no rsID available, gnomAD 0.0009%). This variant has not been reported in the literature in individuals affected with DOK7-related conditions. Algorithms developed to predict the effect of missense changes on protein structure and function are either unavailable or do not agree on the potential impact of this missense change (SIFT: "Tolerated"; PolyPhen-2: "Possibly Damaging"; Align-GVGD: "Class C0"). Algorithms developed to predict the effect of sequence changes on RNA splicing suggest that this variant may create or strengthen a splice site. In summary, the available evidence is currently insufficient to determine the role of this variant in disease. Therefore, it has been classified as a Variant of Uncertain Significance.